The following is an entry in ClinVar:

NM_016729.3(FOLR1):c.322G>C (p.Glu108Gln)

Genes: FOLR1 (folate receptor alpha; plus strand), FOLR1-AS1 (FOLR1 antisense RNA 1; minus strand). Cytogenetic location: 11q13.4.
Variant type: single nucleotide variant.
Coding change: c.322G>C on transcript NM_016729.3 (MANE Select); coding-DNA position 322, G replaced by C.
Protein change: p.Glu108Gln; replaces glutamic acid 108 with glutamine.
Molecular consequence: missense variant.
Genome position (GRCh38, 1-based): chr11:72,195,424, G>C. VCF-style: chr11-72195424-G-C. GRCh37 (hg19) VCF-style: chr11-71906468-G-C.
Other names: c.322G>C, p.Glu108Gln (NM_000802.3, NM_016724.3, NM_016725.3); short protein forms E108Q.
Identifiers: ClinVar variation 646570 (VCV000646570.9), dbSNP rs1555069113, ClinGen allele CA381732561.

ClinVar aggregate classification (germline): Uncertain significance (1 of 4 stars; one submission).

Conditions:
Cerebral folate transport deficiency. Also called: NEURODEGENERATION DUE TO CEREBRAL FOLATE TRANSPORT DEFICIENCY; FOLR1-Related Cerebral Folate Transport Deficiency; FOLATE RECEPTOR DEFICIENCY; Cerebral folate deficiency syndrome; Neurodegenerative syndrome due to cerebral folate transport deficiency. Identifiers: Orphanet 217382, MedGen C2751584, MONDO:0013110, OMIM 613068. Disease mechanism: loss of function.

Submission:

Labcorp Genetics (formerly Invitae), Labcorp
Classification: Uncertain significance for Cerebral folate transport deficiency. Last evaluated: 2018-09-21. Review status: criteria provided, single submitter. Criteria: Invitae Variant Classification Sherloc (09022015). Collection method: clinical testing. Allele origin: germline.
Comment: This sequence change replaces glutamic acid with glutamine at codon 108 of the FOLR1 protein (p.Glu108Gln). The glutamic acid residue is highly conserved and there is a small physicochemical difference between glutamic acid and glutamine. This variant is not present in population databases (ExAC no frequency). This variant has not been reported in the literature in individuals with FOLR1-related disease. Algorithms developed to predict the effect of missense changes on protein structure and function (SIFT, PolyPhen-2, Align-GVGD) all suggest that this variant is likely to be disruptive, but these predictions have not been confirmed by published functional studies and their clinical significance is uncertain. In summary, the available evidence is currently insufficient to determine the role of this variant in disease. Therefore, it has been classified as a Variant of Uncertain Significance.